The following is an entry in ClinVar:

NM_080424.4(SP110):c.943del (p.Val315fs)

Genes: SP110 (SP110 nuclear body protein; minus strand), SP140 (SP140 nuclear body protein; plus strand). Cytogenetic location: 2q37.1.
Variant type: Deletion.
Coding change: c.943del on transcript NM_080424.4 (MANE Select); coding-DNA position 943, one base deleted (G; older notation c.943delG).
Protein change: p.Val315fs; shifts the reading frame from valine 315.
Molecular consequence: frameshift variant. On other transcripts: intron variant (1).
Genome position (GRCh38, 1-based): chr2:230,202,684, C deleted on the plus strand (G on the coding strand, the reverse complement: SP110 is on the minus strand); the first of 3 consecutive C bases (chr2:230,202,684-230,202,686); deleting any one gives the same sequence. VCF-style (leftmost placement, unchanged base first): chr2-230202683-AC-A. GRCh37 (hg19) VCF-style: chr2-231067399-AC-A.
Other names: c.961del, p.Val321fs (NM_001185015.2, NM_001378442.1, NM_001378444.1 and 2 more transcripts); c.943del, p.Val315fs (NM_001378443.1, NM_004509.5, NM_004510.4); c.899-1719del (NM_001378447.1); short protein forms V315fs, V321fs.
Identifiers: ClinVar variation 2897348 (VCV002897348.3), dbSNP rs1226491943, ClinGen allele CA765960014.
Genomic context (GRCh38, chr2:230,202,683, plus strand): 5'-GCCCTTGTCTCTACCGTGGAGTTACAAGTTGAGTCATCTTTCTTTTGAGGAACCTGATCC[AC>A]CCTTTTGAGCTTCTTTTGGATTCCGTGTCTAGATGAGGCTGTCCCTGGACCAAATAATGA-3'

ClinVar aggregate classification (germline): Pathogenic (1 of 4 stars; one submission).

Conditions:
Hepatic veno-occlusive disease-immunodeficiency syndrome. Also called: Hepatic Veno-Occlusive Disease with Immunodeficiency. Identifiers: Orphanet 79124, MedGen C1856128, MONDO:0009338, OMIM 235550. Disease mechanism: loss of function.

Submission:

Labcorp Genetics (formerly Invitae), Labcorp
Classification: Pathogenic for Hepatic veno-occlusive disease-immunodeficiency syndrome. Last evaluated: 2023-09-10. Review status: criteria provided, single submitter. Criteria: Invitae Variant Classification Sherloc (09022015). Collection method: clinical testing. Allele origin: germline.
Comment: This sequence change creates a premature translational stop signal (p.Val315Trpfs*17) in the SP110 gene. It is expected to result in an absent or disrupted protein product. Loss-of-function variants in SP110 are known to be pathogenic (PMID: 16648851, 22621957). This variant is not present in population databases (gnomAD no frequency). For these reasons, this variant has been classified as Pathogenic. This variant has not been reported in the literature in individuals affected with SP110-related conditions.

Literature cited by the submitters: PubMed 16648851; PubMed 22621957.